The following is an entry in ClinVar:

ClinVar aggregate classification (germline): Benign (1 of 4 stars; one submission).

Conditions:
Glycogen storage disease, type II (IOPD). Also called: Pompe Disease; CARDIOMEGALIA GLYCOGENICA DIFFUSA; GLYCOGENOSIS, GENERALIZED, CARDIAC FORM; GSD II; POMPE DISEASE, INFANTILE-ONSET; GLYCOGEN STORAGE DISEASE II, INFANTILE-ONSET. Identifiers: Orphanet 365, MedGen C0017921, MONDO:0009290, OMIM 232300.

gnomAD v4.1: 8,848 of 152,266 alleles (5.8%); highest among the groups gnomAD compares: South Asian, 15%; 502 homozygotes.

Submission:

Genomenon, Inc
Classification: Benign for Glycogen storage disease, type II. Last evaluated: 2026-07-01. Review status: criteria provided, single submitter. Criteria: Genomenon Sequence Variant Interpretation Standards - Updated. Collection method: curation. Allele origin: germline. Affected: no.
Comment: GAA c.2189+859A>G is an intronic variant located in intron 15. This variant is present at high allele frequency in population databases. We classify GAA c.2189+859A>G as a benign variant.

NM_000152.5(GAA):c.2189+859A>G

Gene: GAA (alpha glucosidase; plus strand). Cytogenetic location: 17q25.3.
Variant type: single nucleotide variant.
Coding change: c.2189+859A>G on transcript NM_000152.5 (MANE Select); 859 bases into the intron after coding-DNA position 2189, A replaced by G.
Molecular consequence: intron variant.
Genome position (GRCh38, 1-based): chr17:80,114,225, A>G. VCF-style: chr17-80114225-A-G. GRCh37 (hg19) VCF-style: chr17-78088024-A-G.
Other names: c.2189+859A>G (NM_001406741.1, NM_001406742.1, NM_001079803.3 and 1 more transcripts).
Identifiers: ClinVar variation 4876368 (VCV004876368.1).